The following is an entry in ClinVar:

ClinVar aggregate classification (germline): Likely benign. Review status: criteria provided, multiple submitters, no conflicts (2 of 4 stars). 3 submissions from 3 submitters: Likely benign (2). 1 of the submissions does not count toward it. Last evaluated 2025-02-01.

Conditions:
KIDINS220-related disorder. Also called: KIDINS220-related condition.

Allele frequency attached by ClinVar (database versions not stated): ExAC 0.00007; gnomAD 0.00010; TOPMed 0.00011; gnomAD exomes 0.00028.
gnomAD v4.1: 419 of 1,614,038 alleles (0.026%); highest among the groups gnomAD compares: Non-Finnish European, 0.033%; no homozygotes.

Submissions (3):

CeGaT Center for Human Genetics Tuebingen
Classification: Likely benign. Last evaluated: 2025-02-01. Review status: criteria provided, single submitter. Criteria: CeGaT Center For Human Genetics Tuebingen Variant Classification Criteria Version 2. Collection method: clinical testing. Allele origin: germline. Affected: yes. Observed: 1 variant allele.
Comment: KIDINS220: BP4, BP7

Labcorp Genetics (formerly Invitae), Labcorp
Classification: Likely benign. Last evaluated: 2024-01-11. Review status: criteria provided, single submitter. Criteria: Invitae Variant Classification Sherloc (09022015). Collection method: clinical testing. Allele origin: germline.

PreventionGenetics, part of Exact Sciences
Classification: Likely benign for KIDINS220-related condition. Last evaluated: 2022-11-09. Review status: no assertion criteria provided. Collection method: clinical testing. Allele origin: germline. Not counted in ClinVar's aggregate classification.
Comment: This variant is classified as likely benign based on ACMG/AMP sequence variant interpretation guidelines (Richards et al. 2015 PMID: 25741868, with internal and published modifications).

NM_020738.4(KIDINS220):c.5097C>T (p.Phe1699=)

Gene: KIDINS220 (kinase D interacting substrate 220; minus strand). Cytogenetic location: 2p25.1.
Variant type: single nucleotide variant.
Coding change: c.5097C>T on transcript NM_020738.4 (MANE Select); coding-DNA position 5097, C replaced by T.
Protein change: p.Phe1699=; no amino-acid change (phenylalanine 1699 retained).
Molecular consequence: synonymous variant. On other transcripts: intron variant (6).
Genome position (GRCh38, 1-based): chr2:8,730,939, G>A on the plus strand (C>T on the coding strand, the complement: KIDINS220 is on the minus strand). VCF-style: chr2-8730939-G-A. GRCh37 (hg19) VCF-style: chr2-8871069-G-A.
Other names: c.5100C>T, p.Phe1700= (NM_001348729.2); c.5043C>T, p.Phe1681= (NM_001348731.2); c.5040C>T, p.Phe1680= (NM_001348732.2); c.4929C>T, p.Phe1643= (NM_001348734.2); c.4926C>T, p.Phe1642= (NM_001348735.2); c.4800C>T, p.Phe1600= (NM_001348736.2); c.3882+2505C>T (NM_001348741.2, NM_001348742.2, NM_001348743.2); c.3996+2505C>T (NM_001348738.2); and 2 more.
Identifiers: ClinVar variation 2062970 (VCV002062970.19), dbSNP rs750086954, ClinGen allele CA1519249.